The following is an entry in ClinVar:

ClinVar aggregate classification (germline): Likely benign. Review status: criteria provided, multiple submitters, no conflicts (2 of 4 stars). 4 submissions from 4 submitters: Likely benign (4). Last evaluated 2025-09-07.

Conditions:
Benign neonatal seizures. Also called: Convulsions benign familial neonatal dominant form; Autosomal dominant form of benign neonatal seizures; Benign neonatal familial convulsions; Benign familial neonatal epilepsy; Benign familial neonatal seizures. Identifiers: Orphanet 1949, MedGen C0220669, MONDO:0016027.
Seizures, benign familial neonatal, 2. Also called: Benign Neonatal Epilepsy 2; KCNQ3-Related Self-Limited Familial Neonatal Epilepsy (SLFNE); Seizures, benign neonatal, 2; CONVULSIONS, BENIGN FAMILIAL NEONATAL, 2; KCNQ3-Related Benign Familial Neonatal Epilepsy. Identifiers: Orphanet 1949, MedGen C1852581, MONDO:0007366, OMIM 121201.

Allele frequency attached by ClinVar (database versions not stated): gnomAD 0.00001 and 0.00002; TOPMed 0.00002; ExAC 0.00003; gnomAD exomes 0.00003 and 0.00004; ESP Exome Variant Server 0.00008.
gnomAD v4.1: 62 of 1,613,102 alleles (0.0038%); highest among the groups gnomAD compares: African/African-American, 0.0067%; no homozygotes.

Submissions (4):

Labcorp Genetics (formerly Invitae), Labcorp
Classification: Likely benign for Benign neonatal seizures. Last evaluated: 2025-09-07. Review status: criteria provided, single submitter. Criteria: Invitae Variant Classification Sherloc (09022015). Collection method: clinical testing. Allele origin: germline.

Blueprint Genetics
Classification: Likely benign. Last evaluated: 2024-05-21. Review status: criteria provided, single submitter. Criteria: ACMG Guidelines, 2015. Collection method: clinical testing. Allele origin: germline.

GeneDx
Classification: Likely benign. Last evaluated: 2019-11-25. Review status: criteria provided, single submitter. Criteria: GeneDx Variant Classification Process June 2021. Collection method: clinical testing. Allele origin: germline. Affected: yes.

Illumina Laboratory Services, Illumina
Classification: Likely benign for Seizures, benign familial neonatal, 2. Last evaluated: 2018-01-13. Review status: criteria provided, single submitter. Criteria: ICSL Variant Classification Criteria 13 December 2019. Collection method: clinical testing. Allele origin: germline.
Comment: This variant was observed in the ICSL laboratory as part of a predisposition screen in an ostensibly healthy population. It had not been previously curated by ICSL or reported in the Human Gene Mutation Database (HGMD: prior to June 1st, 2018), and was therefore a candidate for classification through an automated scoring system. Utilizing variant allele frequency, disease prevalence and penetrance estimates, and inheritance mode, an automated score was calculated to assess if this variant is too frequent to cause the disease. Based on the score and internal cut-off values, a variant classified as likely benign is not then subjected to further curation. The score for this variant resulted in a classification of likely benign for this disease.

NM_004519.4(KCNQ3):c.1623C>T (p.Tyr541=)

Gene: KCNQ3 (potassium voltage-gated channel subfamily Q member 3; minus strand). Cytogenetic location: 8q24.22.
Variant type: single nucleotide variant.
Coding change: c.1623C>T on transcript NM_004519.4 (MANE Select); coding-DNA position 1623, C replaced by T.
Protein change: p.Tyr541=; no amino-acid change (tyrosine 541 retained).
Molecular consequence: synonymous variant.
Genome position (GRCh38, 1-based): chr8:132,137,962, G>A on the plus strand (C>T on the coding strand, the complement: KCNQ3 is on the minus strand). VCF-style: chr8-132137962-G-A. GRCh37 (hg19) VCF-style: chr8-133150209-G-A.
Other names: c.1263C>T, p.Tyr421= (NM_001204824.2).
Identifiers: ClinVar variation 388682 (VCV000388682.17), dbSNP rs138900075, ClinGen allele CA4880644.
Genomic context (GRCh38, chr8:132,137,962, plus strand): 5'-TATCCTGGAAAGCATGTCGAGATGCCCGGCAGAATACTGCTCAATCACATCCTTCACATC[G>A]TAAGGCCTCAAAGTCTCCTTGAATTTTTTTTTATAGAGACGGAATTGTAGAATTCTGCAA-3'
Protein context (NP_004510.1, residues 531-551): KKKFKETLRP[Tyr541=]DVKDVIEQYS